The following is an entry in ClinVar:

ClinVar aggregate classification (germline): Pathogenic/Likely pathogenic. Review status: criteria provided, multiple submitters, no conflicts (2 of 4 stars). 5 submissions from 5 submitters: Pathogenic (1); Likely pathogenic (4). Last evaluated 2026-04-22.

Conditions:
CDH23-related disorder. Also called: CDH23-related disorders; CDH23-related condition.
Autosomal recessive nonsyndromic hearing loss 12. Also called: DEAFNESS, AUTOSOMAL RECESSIVE 12. Identifiers: Orphanet 90636, MedGen C1832394, MONDO:0011067, OMIM 601386.
Pituitary adenoma 5, multiple types. Identifiers: MedGen C4539685, MONDO:0054601, OMIM 617540.
Usher syndrome type 1D (USH1D). Also called: USHER SYNDROME, TYPE ID. Identifiers: Orphanet 231169, Orphanet 886, MedGen C1832845, MONDO:0010984, OMIM 601067.
Retinal disorder. Also called: Retinopathy; Retinal disorders; Retinopathies; Retinal Diseases. Identifiers: MedGen C0035309, MONDO:0005283, HP:0000488.

gnomAD v4.1: 11 of 1,613,876 alleles (0.00068%); highest among the groups gnomAD compares: Non-Finnish European, 0.00085%; no homozygotes.

Submissions (5):

Genetics Laboratory, Great Ormond Street Hospital NHS Foundation Trust, North Thames Genomic Laboratory Hub
Classification: Pathogenic for Retinal disorders. Last evaluated: 2026-04-22. Review status: criteria provided, single submitter. Criteria: ACGS Best Practice Guidelines for Variant Classification in Rare Disease 2024 v1.2. Collection method: clinical testing. Allele origin: germline. Affected: yes.
Comment: PM2_moderate, PVS1_very-strong, PM3_supporting

Blueprint Genetics
Classification: Likely pathogenic for CDH23-related disorders. Last evaluated: 2024-06-26. Review status: criteria provided, single submitter. Criteria: ACMG Guidelines, 2015. Collection method: clinical testing. Allele origin: germline. Affected: yes. Observed: 2 variant alleles.

Fulgent Genetics
Classification: Likely pathogenic for Usher syndrome type 1D; Autosomal recessive nonsyndromic hearing loss 12; Pituitary adenoma 5, multiple types. Last evaluated: 2024-03-13. Review status: criteria provided, single submitter. Criteria: ACMG Guidelines, 2015. Collection method: clinical testing. Allele origin: germline.

Labcorp Genetics (formerly Invitae), Labcorp
Classification: Likely pathogenic. Last evaluated: 2024-01-24. Review status: criteria provided, single submitter. Criteria: Invitae Variant Classification Sherloc (09022015). Collection method: clinical testing. Allele origin: germline.
Comment: This sequence change affects a donor splice site in intron 58 of the CDH23 gene. It is expected to disrupt RNA splicing. Variants that disrupt the donor or acceptor splice site typically lead to a loss of protein function (PMID: 16199547), and loss-of-function variants in CDH23 are known to be pathogenic (PMID: 11138009, 21940737). This variant is present in population databases (no rsID available, gnomAD 0.0009%). This variant has not been reported in the literature in individuals affected with CDH23-related conditions. ClinVar contains an entry for this variant (Variation ID: 1513903). Algorithms developed to predict the effect of sequence changes on RNA splicing suggest that this variant may disrupt the consensus splice site. In summary, the currently available evidence indicates that the variant is pathogenic, but additional data are needed to prove that conclusively. Therefore, this variant has been classified as Likely Pathogenic.

Baylor Genetics
Classification: Likely pathogenic for Pituitary adenoma 5, multiple types. Last evaluated: 2023-05-11. Review status: criteria provided, single submitter. Criteria: ACMG Guidelines, 2015. Collection method: clinical testing. Allele origin: unknown.

Literature cited by the submitters: PubMed 16199547 (cited by Labcorp Genetics (formerly Invitae), Labcorp); PubMed 11138009 (cited by Labcorp Genetics (formerly Invitae), Labcorp); PubMed 21940737 (cited by Labcorp Genetics (formerly Invitae), Labcorp).

NM_022124.6(CDH23):c.8308+1G>A

Gene: CDH23 (cadherin related 23; plus strand). Cytogenetic location: 10q22.1.
Variant type: single nucleotide variant.
Coding change: c.8308+1G>A on transcript NM_022124.6 (MANE Select); the canonical splice donor site of the intron after coding-DNA position 8308, G replaced by A.
Molecular consequence: splice donor variant.
Genome position (GRCh38, 1-based): chr10:71,807,407, G>A. VCF-style: chr10-71807407-G-A. GRCh37 (hg19) VCF-style: chr10-73567164-G-A.
Other names: c.1588+1G>A (NM_001171933.1, NM_001171934.1).
Identifiers: ClinVar variation 1513903 (VCV001513903.10), dbSNP rs757675676, ClinGen allele CA377131272.